The following is an entry in ClinVar:

NM_001111.5(ADAR):c.809C>T (p.Pro270Leu)

Gene: ADAR (adenosine deaminase RNA specific; minus strand). Cytogenetic location: 1q21.3.
Variant type: single nucleotide variant.
Coding change: c.809C>T on transcript NM_001111.5 (MANE Select); coding-DNA position 809, C replaced by T.
Protein change: p.Pro270Leu; replaces proline 270 with leucine.
Molecular consequence: missense variant. On other transcripts: 5 prime UTR variant (6).
Genome position (GRCh38, 1-based): chr1:154,601,833, G>A on the plus strand (C>T on the coding strand, the complement: ADAR is on the minus strand). VCF-style: chr1-154601833-G-A. GRCh37 (hg19) VCF-style: chr1-154574309-G-A.
Other names: c.-77C>T (NM_001365049.1, NM_001025107.3, NM_001193495.2 and 3 more transcripts); c.809C>T, p.Pro270Leu (NM_015840.4, NM_015841.4); c.836C>T, p.Pro279Leu (NM_001365045.1); short protein forms P270L, P279L.
Identifiers: ClinVar variation 3758309 (VCV003758309.2).

ClinVar aggregate classification (germline): Uncertain significance (1 of 4 stars; one submission).

Conditions:
Symmetrical dyschromatosis of extremities (DSH). Also called: DYSCHROMATOSIS SYMMETRICA HEREDITARIA 1; RETICULATE ACROPIGMENTATION OF DOHI; SYMMETRIC DYSCHROMATOSIS OF THE EXTREMITIES; Dyschromatosis symmetrica hereditaria. Identifiers: Orphanet 41, MedGen C0406775, MONDO:0007483, OMIM 127400.
Aicardi-Goutieres syndrome 6 (AGS6). Identifiers: Orphanet 51, MedGen C3539013, MONDO:0014007, OMIM 615010.

gnomAD v4.1: 9 of 1,614,254 alleles (0.00056%); highest among the groups gnomAD compares: Non-Finnish European, 0.00068%; no homozygotes.

Submission:

Labcorp Genetics (formerly Invitae), Labcorp
Classification: Uncertain significance for Aicardi-Goutieres syndrome 6; Symmetrical dyschromatosis of extremities. Last evaluated: 2024-05-27. Review status: criteria provided, single submitter. Criteria: Invitae Variant Classification Sherloc (09022015). Collection method: clinical testing. Allele origin: germline.
Comment: This sequence change replaces proline, which is neutral and non-polar, with leucine, which is neutral and non-polar, at codon 270 of the ADAR protein (p.Pro270Leu). This variant is present in population databases (rs768455989, gnomAD 0.0009%). This variant has not been reported in the literature in individuals affected with ADAR-related conditions. Algorithms developed to predict the effect of missense changes on protein structure and function output the following: SIFT: "Not Available"; PolyPhen-2: "Benign"; Align-GVGD: "Not Available". The leucine amino acid residue is found in multiple mammalian species, which suggests that this missense change does not adversely affect protein function. In summary, the available evidence is currently insufficient to determine the role of this variant in disease. Therefore, it has been classified as a Variant of Uncertain Significance.